The following is an entry in ClinVar:

ClinVar aggregate classification (germline): Uncertain significance (1 of 4 stars; one submission).

Submission:

Labcorp Genetics (formerly Invitae), Labcorp
Classification: Uncertain significance. Last evaluated: 2025-08-13. Review status: criteria provided, single submitter. Criteria: Invitae Variant Classification Sherloc (09022015). Collection method: clinical testing. Allele origin: germline.
Comment: This sequence change replaces glycine, which is neutral and non-polar, with glutamic acid, which is acidic and polar, at codon 296 of the CSF2RB protein (p.Gly296Glu). This variant is not present in population databases (gnomAD no frequency). This variant has not been reported in the literature in individuals affected with CSF2RB-related conditions. Invitae Evidence Modeling of protein sequence and biophysical properties (such as structural, functional, and spatial information, amino acid conservation, physicochemical variation, residue mobility, and thermodynamic stability) indicates that this missense variant is not expected to disrupt CSF2RB protein function with a negative predictive value of 80%. Algorithms developed to predict the effect of sequence changes on RNA splicing suggest that this variant may create or strengthen a splice site. In summary, the available evidence is currently insufficient to determine the role of this variant in disease. Therefore, it has been classified as a Variant of Uncertain Significance.

NM_000395.3(CSF2RB):c.887G>A (p.Gly296Glu)

Gene: CSF2RB (colony stimulating factor 2 receptor subunit beta; plus strand). Cytogenetic location: 22q12.3.
Variant type: single nucleotide variant.
Coding change: c.887G>A on transcript NM_000395.3 (MANE Select); coding-DNA position 887, G replaced by A.
Protein change: p.Gly296Glu; replaces glycine 296 with glutamic acid.
Molecular consequence: missense variant.
Genome position (GRCh38, 1-based): chr22:36,930,705, G>A. VCF-style: chr22-36930705-G-A. GRCh37 (hg19) VCF-style: chr22-37326747-G-A.
Other names: c.905G>A, p.Gly302Glu (NM_001410827.1); short protein forms G296E, G302E.
Identifiers: ClinVar variation 4743199 (VCV004743199.1).
Genomic context (GRCh38, chr22:36,930,705, plus strand): 5'-CTGCCCTCAGCTCTGCTGTGCTCCTCAGGGAGGAAGAGTGCTCCCCAGTGCTGAGGGAGG[G>A]GCTCGGCAGCCTCCACACCAGGCACCACTGCCAGATTCCCGTGCCCGACCCCGCGACCCA-3'
Protein context (NP_000386.1, residues 286-306): EEECSPVLRE[Gly296Glu]LGSLHTRHHC